The following is an entry in ClinVar:

NM_022455.5(NSD1):c.3717A>G (p.Lys1239=)

Gene: NSD1 (nuclear receptor binding SET domain protein 1; plus strand). Cytogenetic location: 5q35.3.
Variant type: single nucleotide variant.
Coding change: c.3717A>G on transcript NM_022455.5 (MANE Select); coding-DNA position 3717, A replaced by G.
Protein change: p.Lys1239=; no amino-acid change (lysine 1239 retained).
Molecular consequence: synonymous variant.
Genome position (GRCh38, 1-based): chr5:177,212,116, A>G. VCF-style: chr5-177212116-A-G. GRCh37 (hg19) VCF-style: chr5-176639117-A-G.
Other names: c.2844A>G, p.Lys948= (NM_001365684.2, NM_001409306.1, NM_001409307.1 and 3 more transcripts); c.3717A>G, p.Lys1239= (NM_001409301.1, NM_001409302.1, NM_001409303.1); c.3297A>G, p.Lys1099= (NM_001409304.1); c.2964A>G, p.Lys988= (NM_001409305.1).
Identifiers: ClinVar variation 3341702 (VCV003341702.16).

ClinVar aggregate classification (germline): Likely benign (1 of 4 stars; one submission).

gnomAD v4.1: 1 of 1,614,116 alleles (0.000062%); no homozygotes.

Submission:

CeGaT Center for Human Genetics Tuebingen
Classification: Likely benign. Last evaluated: 2024-07-01. Review status: criteria provided, single submitter. Criteria: CeGaT Center For Human Genetics Tuebingen Variant Classification Criteria Version 2. Collection method: clinical testing. Allele origin: germline. Affected: yes. Observed: 1 variant allele.
Comment: NSD1: PM2:Supporting, BP4, BP7